The following is an entry in ClinVar:

ClinVar aggregate classification (germline): Uncertain significance (1 of 4 stars; one submission).

Conditions:
Hyperkalemic periodic paralysis. Also called: Familial hyperkalemic periodic paralysis; Gamstorp disease. Identifiers: Orphanet 682, MedGen C0238357, MONDO:0008224, OMIM 170500, HP:0007215.

Submission:

Labcorp Genetics (formerly Invitae), Labcorp
Classification: Uncertain significance for Hyperkalemic periodic paralysis. Last evaluated: 2025-04-14. Review status: criteria provided, single submitter. Criteria: Invitae Variant Classification Sherloc (09022015). Collection method: clinical testing. Allele origin: germline.
Comment: This sequence change replaces alanine, which is neutral and non-polar, with proline, which is neutral and non-polar, at codon 456 of the SCN4A protein (p.Ala456Pro). This variant is not present in population databases (gnomAD no frequency). This variant has not been reported in the literature in individuals affected with SCN4A-related conditions. Invitae Evidence Modeling of protein sequence and biophysical properties (such as structural, functional, and spatial information, amino acid conservation, physicochemical variation, residue mobility, and thermodynamic stability) indicates that this missense variant is expected to disrupt SCN4A protein function with a positive predictive value of 95%. In summary, the available evidence is currently insufficient to determine the role of this variant in disease. Therefore, it has been classified as a Variant of Uncertain Significance.

NM_000334.4(SCN4A):c.1366G>C (p.Ala456Pro)

Gene: SCN4A (sodium voltage-gated channel alpha subunit 4; minus strand). Cytogenetic location: 17q23.3.
Variant type: single nucleotide variant.
Coding change: c.1366G>C on transcript NM_000334.4 (MANE Select); coding-DNA position 1366, G replaced by C.
Protein change: p.Ala456Pro; replaces alanine 456 with proline.
Molecular consequence: missense variant.
Genome position (GRCh38, 1-based): chr17:63,964,554, C>G on the plus strand (G>C on the coding strand, the complement: SCN4A is on the minus strand). VCF-style: chr17-63964554-C-G. GRCh37 (hg19) VCF-style: chr17-62041914-C-G.
Other names: short protein forms A456P.
Identifiers: ClinVar variation 4769641 (VCV004769641.1).